The following is an entry in ClinVar:

ClinVar aggregate classification (germline): Likely pathogenic (1 of 4 stars; one submission).

Conditions:
Autosomal recessive limb-girdle muscular dystrophy type 2J (LGMDR10). Also called: Limb-girdle muscular dystrophy, type 2J; MUSCULAR DYSTROPHY, LIMB-GIRDLE, AUTOSOMAL RECESSIVE 10. Identifiers: Orphanet 140922, MedGen C1837342, MONDO:0012127, OMIM 608807.
Dilated cardiomyopathy 1G (CMD1G). Identifiers: Orphanet 154, MedGen C1858763, MONDO:0011400, OMIM 604145.

Submission:

Labcorp Genetics (formerly Invitae), Labcorp
Classification: Likely pathogenic for Dilated cardiomyopathy 1G; Autosomal recessive limb-girdle muscular dystrophy type 2J. Last evaluated: 2023-12-09. Review status: criteria provided, single submitter. Criteria: Invitae Variant Classification Sherloc (09022015). Collection method: clinical testing. Allele origin: germline.
Comment: This sequence change creates a premature translational stop signal (p.Val16761Metfs*2) in the TTN gene. While this is not anticipated to result in nonsense mediated decay, it is expected to create a truncated TTN protein. This variant is not present in population databases (gnomAD no frequency). This variant has not been reported in the literature in individuals affected with TTN-related conditions. This variant is located in the A band of TTN (PMID: 25589632). Truncating variants in this region are significantly overrepresented in patients affected with dilated cardiomyopathy (PMID: 25589632). Truncating variants in this region have also been reported in individuals affected with autosomal recessive centronuclear myopathy (PMID: 23975875). In summary, the currently available evidence indicates that the variant is pathogenic, but additional data are needed to prove that conclusively. Therefore, this variant has been classified as Likely Pathogenic.

Literature cited by the submitters: PubMed 25589632; PubMed 23975875.

NM_001267550.2(TTN):c.50281_50284del (p.Val16761fs)

Genes: TTN-AS1 (TTN antisense RNA 1; plus strand), TTN (titin; minus strand). Cytogenetic location: 2q31.2.
Variant type: Deletion.
Coding change: c.50281_50284del on transcript NM_001267550.2 (MANE Select); coding-DNA positions 50281 to 50284, 4 bases deleted (GTTG; older notation c.50281_50284delGTTG).
Protein change: p.Val16761fs; shifts the reading frame from valine 16761.
Molecular consequence: frameshift variant.
Genome position (GRCh38, 1-based): chr2:178,612,127-178,612,130, CAAC deleted on the plus strand (GTTG on the coding strand, the reverse complement: TTN is on the minus strand); deleting any 4 consecutive bases within chr2:178,612,127-178,612,132 gives the same sequence; the c. name uses the placement nearest the transcript's 3' end. VCF-style (leftmost placement, unchanged base first): chr2-178612126-TCAAC-T. GRCh37 (hg19) VCF-style: chr2-179476853-TCAAC-T.
Other names: c.45358_45361del, p.Val15120fs (NM_001256850.1); c.23086_23089del, p.Val7696fs (NM_003319.4); c.42577_42580del, p.Val14193fs (NM_133378.4); c.23461_23464del, p.Val7821fs (NM_133432.3); c.23662_23665del, p.Val7888fs (NM_133437.4); short protein forms V7696fs, V7821fs, V15120fs, V16761fs, V14193fs, V7888fs.
Identifiers: ClinVar variation 2954518 (VCV002954518.3), dbSNP rs2470523865, ClinGen allele CA2740096151.